The following is an entry in ClinVar:

NM_003560.4(PLA2G6):c.1427C>T (p.Thr476Ile)

Gene: PLA2G6 (phospholipase A2 group VI; minus strand). Cytogenetic location: 22q13.1.
Variant type: single nucleotide variant.
Coding change: c.1427C>T on transcript NM_003560.4 (MANE Select); coding-DNA position 1427, C replaced by T.
Protein change: p.Thr476Ile; replaces threonine 476 with isoleucine.
Molecular consequence: missense variant.
Genome position (GRCh38, 1-based): chr22:38,126,371, G>A on the plus strand (C>T on the coding strand, the complement: PLA2G6 is on the minus strand). VCF-style: chr22-38126371-G-A. GRCh37 (hg19) VCF-style: chr22-38522378-G-A.
Other names: c.1265C>T, p.Thr422Ile (NM_001004426.3, NM_001199562.3, NM_001349865.2 and 1 more transcripts); c.1427C>T, p.Thr476Ile (NM_001349864.2); c.893C>T, p.Thr298Ile (NM_001349867.2); c.749C>T, p.Thr250Ile (NM_001349868.2); c.731C>T, p.Thr244Ile (NM_001349869.2); short protein forms T298I, T422I, T244I, T250I, T476I.
Identifiers: ClinVar variation 843964 (VCV000843964.38), dbSNP rs146684391, ClinGen allele CA10230871.
Genomic context (GRCh38, chr22:38,126,371, plus strand): 5'-GGGTGAGGGGCAGGAAAGCGCACACGTTCCCCGCTCTGCCCCCGATCTCGATCCACTTAC[G>A]TCCGCTTCTCGTCCCTCATGGAGCCCAGGATGAACGCTGGCTTCCGGGCCCGTGAGATGT-3'
Protein context (NP_003551.2, residues 466-486): ILGSMRDEKR[Thr476Ile]HDHLLCLDGG

ClinVar aggregate classification (germline): Conflicting classifications of pathogenicity. Review status: criteria provided, conflicting classifications (1 of 4 stars). 6 submissions from 6 submitters: Uncertain significance (5); Likely benign (1). Last evaluated 2025-11-06.

Conditions:
Infantile neuroaxonal dystrophy (NBIA2A). Also called: SEITELBERGER DISEASE; NEURODEGENERATION WITH BRAIN IRON ACCUMULATION 2A; Infantile neuroaxonal dystrophy 1. Identifiers: Orphanet 35069, MedGen C0270724, MONDO:0024457, OMIM 256600.
Inborn genetic diseases. Identifiers: MedGen C0950123, MeSH D030342.
PLA2G6-associated neurodegeneration (PLAN). Also called: phospholipase A2-associated neurodegeneration. Identifiers: Orphanet 329303, MedGen CN204472, MONDO:0017998.
Autosomal recessive Parkinson disease 14. Also called: PARKINSON DISEASE 14; DYSTONIA-PARKINSONISM, ADULT-ONSET. Identifiers: Orphanet 199351, MedGen C2751842, MONDO:0013060, OMIM 612953.
Neurodegeneration with brain iron accumulation 2B. Also called: aNAD; atypical Neuroaxonal Dystrophy (aNAD); NEUROAXONAL DYSTROPHY, ATYPICAL; NEURODEGENERATION WITH BRAIN IRON ACCUMULATION, PLA2G6-RELATED. Identifiers: Orphanet 35069, MedGen C1857747, MONDO:0012444, OMIM 610217.

Allele frequency attached by ClinVar (database versions not stated): gnomAD exomes 0.00016; gnomAD 0.00017; ExAC 0.00019; TOPMed 0.00024; ESP Exome Variant Server 0.00085.
gnomAD v4.1: 436 of 1,611,436 alleles (0.027%); highest among the groups gnomAD compares: Non-Finnish European, 0.033%; no homozygotes.

Submissions (6):

GeneDx
Classification: Uncertain significance. Last evaluated: 2025-11-06. Review status: criteria provided, single submitter. Criteria: GeneDx Variant Classification Process June 2021. Collection method: clinical testing. Allele origin: germline. Affected: yes.
Comment: In silico analysis suggests that this missense variant does not alter protein structure/function; Has not been previously published as pathogenic or benign to our knowledge

CeGaT Center for Human Genetics Tuebingen
Classification: Likely benign. Last evaluated: 2023-09-01. Review status: criteria provided, single submitter. Criteria: CeGaT Center For Human Genetics Tuebingen Variant Classification Criteria Version 2. Collection method: clinical testing. Allele origin: germline. Affected: yes. Observed: 1 variant allele.
Comment: PLA2G6: BP4

Labcorp Genetics (formerly Invitae), Labcorp
Classification: Uncertain significance for Infantile neuroaxonal dystrophy. Last evaluated: 2022-09-19. Review status: criteria provided, single submitter. Criteria: Invitae Variant Classification Sherloc (09022015). Collection method: clinical testing. Allele origin: germline.
Comment: This sequence change replaces threonine, which is neutral and polar, with isoleucine, which is neutral and non-polar, at codon 476 of the PLA2G6 protein (p.Thr476Ile). This variant is present in population databases (rs146684391, gnomAD 0.03%). This variant has not been reported in the literature in individuals affected with PLA2G6-related conditions. ClinVar contains an entry for this variant (Variation ID: 843964). Algorithms developed to predict the effect of missense changes on protein structure and function output the following: SIFT: "Tolerated"; PolyPhen-2: "Benign"; Align-GVGD: "Class C0". The isoleucine amino acid residue is found in multiple mammalian species, which suggests that this missense change does not adversely affect protein function. Algorithms developed to predict the effect of sequence changes on RNA splicing suggest that this variant may disrupt the consensus splice site. In summary, the available evidence is currently insufficient to determine the role of this variant in disease. Therefore, it has been classified as a Variant of Uncertain Significance.

Fulgent Genetics
Classification: Uncertain significance for Infantile neuroaxonal dystrophy; Neurodegeneration with brain iron accumulation 2B; Autosomal recessive Parkinson disease 14. Last evaluated: 2022-03-07. Review status: criteria provided, single submitter. Criteria: ACMG Guidelines, 2015. Collection method: clinical testing. Allele origin: unknown.

Ambry Genetics
Classification: Uncertain significance for Inborn genetic diseases. Last evaluated: 2021-02-26. Review status: criteria provided, single submitter. Criteria: Ambry Variant Classification Scheme 2023. Collection method: clinical testing. Allele origin: germline.
Comment: The c.1427C>T (p.T476I) alteration is located in exon 10 (coding exon 9) of the PLA2G6 gene. This alteration results from a C to T substitution at nucleotide position 1427, causing the threonine (T) at amino acid position 476 to be replaced by an isoleucine (I). The p.T476I alteration is predicted to be tolerated by in silico analysis. Based on insufficient or conflicting evidence, the clinical significance of this alteration remains unclear.

Illumina Laboratory Services, Illumina
Classification: Uncertain significance for PLA2G6-associated neurodegeneration. Last evaluated: 2018-01-13. Review status: criteria provided, single submitter. Criteria: ICSL Variant Classification Criteria 13 December 2019. Collection method: clinical testing. Allele origin: germline.